The following is an entry in ClinVar:

ClinVar aggregate classification (germline): Uncertain significance (1 of 4 stars; one submission).

gnomAD v4.1: 99 of 1,614,040 alleles (0.0061%); highest among the groups gnomAD compares: African/African-American, 0.057%; no homozygotes.

Submission:

Greenwood Genetic Center Diagnostic Laboratories, Greenwood Genetic Center
Classification: Uncertain significance. Last evaluated: 2026-06-03. Review status: criteria provided, single submitter. Criteria: ACMG Guidelines, 2015. Collection method: clinical testing. Allele origin: germline.
Comment: PM2, BP4

NM_001303457.2(TTI1):c.3060C>T (p.Pro1020=)

Gene: TTI1 (TELO2 interacting protein 1; minus strand). Cytogenetic location: 20q11.23.
Variant type: single nucleotide variant.
Coding change: c.3060C>T on transcript NM_001303457.2 (MANE Select); coding-DNA position 3060, C replaced by T.
Protein change: p.Pro1020=; no amino-acid change (proline 1020 retained).
Molecular consequence: synonymous variant.
Genome position (GRCh38, 1-based): chr20:37,996,401, G>A on the plus strand (C>T on the coding strand, the complement: TTI1 is on the minus strand). VCF-style: chr20-37996401-G-A. GRCh37 (hg19) VCF-style: chr20-36624803-G-A.
Other names: c.3060C>T, p.Pro1020= (NM_014657.3).
Identifiers: ClinVar variation 4891130 (VCV004891130.1).